The following is an entry in ClinVar:

NM_004990.4(MARS1):c.1294-5C>T

Gene: MARS1 (methionyl-tRNA synthetase 1; plus strand). Cytogenetic location: 12q13.3.
Variant type: single nucleotide variant.
Coding change: c.1294-5C>T on transcript NM_004990.4 (MANE Select); 5 bases into the intron before coding-DNA position 1294, C replaced by T.
Molecular consequence: intron variant.
Genome position (GRCh38, 1-based): chr12:57,504,220, C>T. VCF-style: chr12-57504220-C-T. GRCh37 (hg19) VCF-style: chr12-57898003-C-T.
Other names: p.?.
Identifiers: ClinVar variation 388761 (VCV000388761.57), dbSNP rs149946100, ClinGen allele CA6650469.

ClinVar aggregate classification (germline): Benign/Likely benign. Review status: criteria provided, multiple submitters, no conflicts (2 of 4 stars). 7 submissions from 7 submitters: Benign (2); Likely benign (4). 1 of the submissions does not count toward it. Last evaluated 2026-01-14.

Conditions:
Severe early-onset pulmonary alveolar proteinosis due to MARS deficiency. Also called: Interstitial lung and liver disease; PULMONARY ALVEOLAR PROTEINOSIS, REUNION ISLAND. Identifiers: Orphanet 440427, MedGen C4225400, MONDO:0014206, OMIM 615486.
Charcot-Marie-Tooth disease axonal type 2U. Also called: CHARCOT-MARIE-TOOTH NEUROPATHY, TYPE 2U; CHARCOT-MARIE-TOOTH DISEASE, AXONAL, AUTOSOMAL DOMINANT, TYPE 2U. Identifiers: Orphanet 397735, MedGen C4084821, MONDO:0014566, OMIM 616280.
MARS1-related disorder. Also called: MARS1-related condition.
Charcot-Marie-Tooth disease. Also called: Charcot-Marie-Tooth Neuropathy; Charcot-Marie-Tooth Hereditary Neuropathy. Identifiers: Orphanet 166, MedGen C0007959, MONDO:0015626.

Allele frequency attached by ClinVar (database versions not stated): ExAC 0.00083; 1000 Genomes Project 0.00220; 1000 Genomes Project 30x 0.00234; TOPMed 0.00285; ESP Exome Variant Server 0.00354.
gnomAD v4.1: 693 of 1,613,132 alleles (0.043%); highest among the groups gnomAD compares: African/African-American, 0.79%; 6 homozygotes.

Submissions (7):

Labcorp Genetics (formerly Invitae), Labcorp
Classification: Benign for Charcot-Marie-Tooth disease axonal type 2U; Severe early-onset pulmonary alveolar proteinosis due to MARS deficiency. Last evaluated: 2026-01-14. Review status: criteria provided, single submitter. Criteria: Invitae Variant Classification Sherloc (09022015). Collection method: clinical testing. Allele origin: germline.

Mayo Clinic Laboratories, Mayo Clinic
Classification: Benign. Last evaluated: 2025-04-22. Review status: criteria provided, single submitter. Criteria: ACMG Guidelines, 2015. Collection method: clinical testing. Allele origin: germline. Observed: 2 variant alleles.

Blueprint Genetics
Classification: Likely benign. Last evaluated: 2024-11-14. Review status: criteria provided, single submitter. Criteria: ACMG Guidelines, 2015. Collection method: clinical testing. Allele origin: germline.

Ambry Genetics
Classification: Likely benign. Last evaluated: 2020-03-31. Review status: criteria provided, single submitter. Criteria: Ambry Variant Classification Scheme 2023. Collection method: clinical testing. Allele origin: germline.

GeneDx
Classification: Likely benign. Last evaluated: 2018-04-23. Review status: criteria provided, single submitter. Criteria: GeneDx Variant Classification Process June 2021. Collection method: clinical testing. Allele origin: germline. Affected: yes.

Molecular Genetics Laboratory, London Health Sciences Centre
Classification: Likely benign for Charcot-Marie-Tooth disease. Review status: criteria provided, single submitter. Criteria: ACMG Guidelines, 2015. Collection method: clinical testing. Allele origin: germline. Affected: yes.

PreventionGenetics, part of Exact Sciences
Classification: Benign for MARS1-related condition. Last evaluated: 2024-07-10. Review status: no assertion criteria provided. Collection method: clinical testing. Allele origin: germline. Not counted in ClinVar's aggregate classification.
Comment: This variant is classified as benign based on ACMG/AMP sequence variant interpretation guidelines (Richards et al. 2015 PMID: 25741868, with internal and published modifications).